The following is an entry in ClinVar:

NM_024577.4(SH3TC2):c.3204+6C>T

Gene: SH3TC2 (SH3 domain and tetratricopeptide repeats 2; minus strand). Cytogenetic location: 5q32.
Variant type: single nucleotide variant.
Coding change: c.3204+6C>T on transcript NM_024577.4 (MANE Select); 6 bases into the intron after coding-DNA position 3204, C replaced by T.
Molecular consequence: intron variant.
Genome position (GRCh38, 1-based): chr5:149,012,578, G>A on the plus strand (C>T on the coding strand, the complement: SH3TC2 is on the minus strand). VCF-style: chr5-149012578-G-A. GRCh37 (hg19) VCF-style: chr5-148392141-G-A.
Identifiers: ClinVar variation 956978 (VCV000956978.9), dbSNP rs763394102, ClinGen allele CA3498818.

ClinVar aggregate classification (germline): Uncertain significance (1 of 4 stars; one submission).

Conditions:
Charcot-Marie-Tooth disease type 4. Also called: Charcot-Marie-Tooth disease, type IV; Charcot-Marie-Tooth, Type 4. Identifiers: Orphanet 64749, MedGen C4082197, MONDO:0018995.

Allele frequency attached by ClinVar (database versions not stated): gnomAD exomes below 0.00001 and 0.00001; ExAC 0.00002.
gnomAD v4.1: 6 of 1,614,112 alleles (0.00037%); highest among the groups gnomAD compares: South Asian, 0.0011%; no homozygotes.

Submission:

Labcorp Genetics (formerly Invitae), Labcorp
Classification: Uncertain significance for Charcot-Marie-Tooth disease type 4. Last evaluated: 2019-08-26. Review status: criteria provided, single submitter. Criteria: Invitae Variant Classification Sherloc (09022015). Collection method: clinical testing. Allele origin: germline.
Comment: This variant is present in population databases (rs763394102, ExAC 0.006%). In summary, the available evidence is currently insufficient to determine the role of this variant in disease. Therefore, it has been classified as a Variant of Uncertain Significance. Nucleotide substitutions within the consensus splice site are a relatively common cause of aberrant splicing (PMID: 17576681, 9536098). Algorithms developed to predict the effect of sequence changes on RNA splicing suggest that this variant is not likely to affect RNA splicing, but this prediction has not been confirmed by published transcriptional studies. This variant has not been reported in the literature in individuals with SH3TC2-related conditions. This sequence change falls in intron 13 of the SH3TC2 gene. It does not directly change the encoded amino acid sequence of the SH3TC2 protein, but it affects a nucleotide within the consensus splice site of the intron.

Literature cited by the submitters: PubMed 17576681; PubMed 9536098.